The following is an entry in ClinVar:

ClinVar aggregate classification (germline): Conflicting classifications of pathogenicity. Review status: criteria provided, conflicting classifications (1 of 4 stars). 2 submissions from 2 submitters: Uncertain significance (1); Likely benign (1). Last evaluated 2024-10-09.

Conditions:
Cryptosporidiosis-chronic cholangitis-liver disease syndrome. Also called: IL21R immunodeficiency; Immunodeficiency type 56. Identifiers: Orphanet 357329, MedGen C3554687, MONDO:0014082, OMIM 615207.
Inborn genetic diseases. Identifiers: MedGen C0950123, MeSH D030342.

Allele frequency attached by ClinVar (database versions not stated): gnomAD exomes 0.00001 and 0.00002; TOPMed 0.00002; ExAC 0.00003; gnomAD 0.00003; ESP Exome Variant Server 0.00008.
gnomAD v4.1: 16 of 1,613,054 alleles (0.00099%); highest among the groups gnomAD compares: African/African-American, 0.0027%; no homozygotes.

Submissions (2):

Ambry Genetics
Classification: Likely benign for Inborn genetic diseases. Last evaluated: 2024-10-09. Review status: criteria provided, single submitter. Criteria: Ambry Variant Classification Scheme 2023. Collection method: clinical testing. Allele origin: germline.

Labcorp Genetics (formerly Invitae), Labcorp
Classification: Uncertain significance for Cryptosporidiosis-chronic cholangitis-liver disease syndrome. Last evaluated: 2021-09-01. Review status: criteria provided, single submitter. Criteria: Invitae Variant Classification Sherloc (09022015). Collection method: clinical testing. Allele origin: germline.
Comment: This sequence change replaces arginine with glutamine at codon 323 of the IL21R protein (p.Arg323Gln). The arginine residue is weakly conserved and there is a small physicochemical difference between arginine and glutamine. This variant is present in population databases (rs144751116, ExAC 0.005%). This variant has not been reported in the literature in individuals affected with IL21R-related conditions. Algorithms developed to predict the effect of missense changes on protein structure and function output the following: SIFT: "Tolerated"; PolyPhen-2: "Benign"; Align-GVGD: "Class C0". The glutamine amino acid residue is found in multiple mammalian species, which suggests that this missense change does not adversely affect protein function. Algorithms developed to predict the effect of sequence changes on RNA splicing suggest that this variant may create or strengthen a splice site. In summary, the available evidence is currently insufficient to determine the role of this variant in disease. Therefore, it has been classified as a Variant of Uncertain Significance.

NM_181078.3(IL21R):c.968G>A (p.Arg323Gln)

Genes: IL21R (interleukin 21 receptor; plus strand), IL21R-AS1 (IL21R antisense RNA 1; minus strand). Cytogenetic location: 16p12.1.
Variant type: single nucleotide variant.
Coding change: c.968G>A on transcript NM_181078.3 (MANE Select); coding-DNA position 968, G replaced by A.
Protein change: p.Arg323Gln; replaces arginine 323 with glutamine.
Molecular consequence: missense variant. On other transcripts: non-coding transcript variant (1).
Genome position (GRCh38, 1-based): chr16:27,448,634, G>A. VCF-style: chr16-27448634-G-A. GRCh37 (hg19) VCF-style: chr16-27459955-G-A.
Other names: c.968G>A, p.Arg323Gln (NM_021798.4); c.1034G>A, p.Arg345Gln (NM_181079.5); c.1034G>A (NM_181079.4); short protein forms R323Q, R345Q.
Identifiers: ClinVar variation 645716 (VCV000645716.9), dbSNP rs144751116, ClinGen allele CA7975123.